The following is an entry in ClinVar:

NM_001540.5(HSPB1):c.390G>C (p.Glu130Asp)

Gene: HSPB1 (heat shock protein family B (small) member 1; plus strand). Cytogenetic location: 7q11.23.
Variant type: single nucleotide variant.
Coding change: c.390G>C on transcript NM_001540.5 (MANE Select); coding-DNA position 390, G replaced by C.
Protein change: p.Glu130Asp; replaces glutamic acid 130 with aspartic acid.
Molecular consequence: missense variant.
Genome position (GRCh38, 1-based): chr7:76,303,827, G>C. VCF-style: chr7-76303827-G-C. GRCh37 (hg19) VCF-style: chr7-75933144-G-C.
Other names: short protein forms E130D.
Identifiers: ClinVar variation 3627821 (VCV003627821.2).
Genomic context (GRCh38, chr7:76,303,827, plus strand): 5'-TCCCCCGCAGTCTGATTTCCCTCTTCCCCCCAAAGGCAAGCACGAGGAGCGGCAGGACGA[G>C]CATGGCTACATCTCCCGGTGCTTCACGCGGAAATACACGTGAGTCCTGGCGCCAGGTCGG-3'
Protein context (NP_001531.1, residues 120-140): ITGKHEERQD[Glu130Asp]HGYISRCFTR

ClinVar aggregate classification (germline): Uncertain significance (1 of 4 stars; one submission).

Conditions:
Charcot-Marie-Tooth disease axonal type 2F (CMT2F). Also called: CHARCOT-MARIE-TOOTH DISEASE, NEURONAL, TYPE 2F; Charcot-Marie-Tooth Neuropathy Type 2F. Identifiers: Orphanet 99940, MedGen C1847823, MONDO:0011687, OMIM 606595.

gnomAD v4.1: 2 of 1,610,540 alleles (0.00012%); highest among the groups gnomAD compares: Non-Finnish European, 0.000085%; no homozygotes.

Submission:

Labcorp Genetics (formerly Invitae), Labcorp
Classification: Uncertain significance for Charcot-Marie-Tooth disease axonal type 2F. Last evaluated: 2024-06-06. Review status: criteria provided, single submitter. Criteria: Invitae Variant Classification Sherloc (09022015). Collection method: clinical testing. Allele origin: germline.
Comment: This sequence change replaces glutamic acid, which is acidic and polar, with aspartic acid, which is acidic and polar, at codon 130 of the HSPB1 protein (p.Glu130Asp). This variant is not present in population databases (gnomAD no frequency). This variant has not been reported in the literature in individuals affected with HSPB1-related conditions. Advanced modeling of protein sequence and biophysical properties (such as structural, functional, and spatial information, amino acid conservation, physicochemical variation, residue mobility, and thermodynamic stability) has been performed at Invitae for this missense variant, however the output from this modeling did not meet the statistical confidence thresholds required to predict the impact of this variant on HSPB1 protein function. In summary, the available evidence is currently insufficient to determine the role of this variant in disease. Therefore, it has been classified as a Variant of Uncertain Significance.